The following is an entry in ClinVar:

ClinVar aggregate classification (germline): Uncertain significance. Review status: criteria provided, multiple submitters, no conflicts (2 of 4 stars). 2 submissions from 2 submitters: Uncertain significance (2). Last evaluated 2025-07-11.

Conditions:
Cystic fibrosis (CF). Also called: MUCOVISCIDOSIS. Identifiers: Orphanet 586, MedGen C0010674, MONDO:0009061, OMIM 219700. Disease mechanism: loss of function.

Submissions (2):

Women's Health and Genetics/Laboratory Corporation of America, LabCorp
Classification: Uncertain significance. Last evaluated: 2025-07-11. Review status: criteria provided, single submitter. Criteria: LabCorp Variant Classification Summary - May 2015. Collection method: clinical testing. Allele origin: germline.
Comment: Variant summary: CFTR c.1695T>A (p.Asp565Glu) results in a conservative amino acid change in the encoded protein sequence. Algorithms developed to predict the effect of missense changes on protein structure and function are either unavailable or do not agree on the potential impact of this missense change. The variant was absent in 250370 control chromosomes. The available data on variant occurrences in the general population are insufficient to allow any conclusion about variant significance. c.1695T>A has been observed in at least one individual affected with Cystic Fibrosis (Schrijver_2016). These report(s) do not provide unequivocal conclusions about association of the variant with Cystic Fibrosis. At least one publication reports experimental evidence evaluating an impact on protein function. The most pronounced variant effect results in 56% of normal activity (Bihler_2024). The following publications have been ascertained in the context of this evaluation (PMID: 38388235, 26708955). No submitters have cited clinical-significance assessments for this variant to ClinVar. Based on the evidence outlined above, the variant was classified as uncertain significance.

Labcorp Genetics (formerly Invitae), Labcorp
Classification: Uncertain significance for Cystic fibrosis. Last evaluated: 2025-03-14. Review status: criteria provided, single submitter. Criteria: Invitae Variant Classification Sherloc (09022015). Collection method: clinical testing. Allele origin: germline.
Comment: This sequence change replaces aspartic acid, which is acidic and polar, with glutamic acid, which is acidic and polar, at codon 565 of the CFTR protein (p.Asp565Glu). This variant is not present in population databases (gnomAD no frequency). This missense change has been observed in individual(s) with clinical features of cystic fibrosis (PMID: 26708955). Invitae Evidence Modeling of protein sequence and biophysical properties (such as structural, functional, and spatial information, amino acid conservation, physicochemical variation, residue mobility, and thermodynamic stability) indicates that this missense variant is not expected to disrupt CFTR protein function with a negative predictive value of 80%. In summary, the available evidence is currently insufficient to determine the role of this variant in disease. Therefore, it has been classified as a Variant of Uncertain Significance.

Literature cited by the submitters: PubMed 26708955 (cited by Women's Health and Genetics/Laboratory Corporation of America, LabCorp and Labcorp Genetics (formerly Invitae), Labcorp); PubMed 38388235 (cited by Women's Health and Genetics/Laboratory Corporation of America, LabCorp).

NM_000492.4(CFTR):c.1695T>A (p.Asp565Glu)

Gene: CFTR (CF transmembrane conductance regulator; plus strand). Cytogenetic location: 7q31.2.
Variant type: single nucleotide variant.
Coding change: c.1695T>A on transcript NM_000492.4 (MANE Select); coding-DNA position 1695, T replaced by A.
Protein change: p.Asp565Glu; replaces aspartic acid 565 with glutamic acid.
Molecular consequence: missense variant.
Genome position (GRCh38, 1-based): chr7:117,590,368, T>A. VCF-style: chr7-117590368-T-A. GRCh37 (hg19) VCF-style: chr7-117230422-T-A.
Other names: short protein forms D565E.
Identifiers: ClinVar variation 4525966 (VCV004525966.2).
Genomic context (GRCh38, chr7:117,590,368, plus strand): 5'-AGGAAATAGAGAGGAAATGTAATTTAATTTCCATTTTCTTTTTAGAGCAGTATACAAAGA[T>A]GCTGATTTGTATTTATTAGACTCTCCTTTTGGATACCTAGATGTTTTAACAGAAAAAGAA-3'
Protein context (NP_000483.3, residues 555-575): RISLARAVYK[Asp565Glu]ADLYLLDSPF